The following is an entry in ClinVar:

NM_015295.3(SMCHD1):c.3271_3276del (p.Ile1091_Lys1092del)

Gene: SMCHD1 (structural maintenance of chromosomes flexible hinge domain containing 1; plus strand). Cytogenetic location: 18p11.32.
Variant type: Deletion.
Coding change: c.3271_3276del on transcript NM_015295.3 (MANE Select); coding-DNA positions 3271 to 3276, 6 bases deleted (ATTAAA; older notation c.3271_3276delATTAAA).
Protein change: p.Ile1091_Lys1092del.
Molecular consequence: inframe deletion.
Genome position (GRCh38, 1-based): chr18:2,732,487-2,732,492, ATTAAA deleted; deleting any 6 consecutive bases within chr18:2,732,484-2,732,492 gives the same sequence; the c. name uses the placement nearest the transcript's 3' end. VCF-style (leftmost placement, unchanged base first): chr18-2732483-AAAAATT-A. GRCh37 (hg19) VCF-style: chr18-2732481-AAAAATT-A.
Identifiers: ClinVar variation 1010543 (VCV001010543.8), dbSNP rs2075161238, ClinGen allele CA2280697069.

ClinVar aggregate classification (germline): Uncertain significance (1 of 4 stars; one submission).

Conditions:
Facioscapulohumeral muscular dystrophy 2 (FSHD2). Also called: MUSCULAR DYSTROPHY, FACIOSCAPULOHUMERAL, TYPE 1B; FACIOSCAPULOHUMERAL MUSCULAR DYSTROPHY 2, DIGENIC; FSHD2, DIGENIC. Identifiers: Orphanet 269, MedGen C1834671, MONDO:0008031, OMIM 158901.

Submission:

Labcorp Genetics (formerly Invitae), Labcorp
Classification: Uncertain significance for Facioscapulohumeral muscular dystrophy 2. Last evaluated: 2022-07-19. Review status: criteria provided, single submitter. Criteria: Invitae Variant Classification Sherloc (09022015). Collection method: clinical testing. Allele origin: germline.
Comment: In summary, the available evidence is currently insufficient to determine the role of this variant in disease. Therefore, it has been classified as a Variant of Uncertain Significance. Algorithms developed to predict the effect of sequence changes on RNA splicing suggest that this variant may disrupt the consensus splice site. Experimental studies and prediction algorithms are not available or were not evaluated, and the functional significance of this variant is currently unknown. ClinVar contains an entry for this variant (Variation ID: 1010543). This variant has not been reported in the literature in individuals affected with SMCHD1-related conditions. This variant is not present in population databases (gnomAD no frequency). This variant, c.3271_3276del, results in the deletion of 2 amino acid(s) of the SMCHD1 protein (p.Ile1091_Lys1092del), but otherwise preserves the integrity of the reading frame.